The following is an entry in ClinVar:

NM_001376.5(DYNC1H1):c.8283_8284delinsAG (p.Leu2762Val)

Gene: DYNC1H1 (dynein cytoplasmic 1 heavy chain 1; plus strand). Cytogenetic location: 14q32.31.
Variant type: Indel.
Coding change: c.8283_8284delinsAG on transcript NM_001376.5 (MANE Select); coding-DNA positions 8283 to 8284, CC replaced by AG.
Protein change: p.Leu2762Val; replaces leucine 2762 with valine.
Molecular consequence: missense variant.
Genome position (GRCh38, 1-based): chr14:102,018,556-102,018,557, CC replaced by AG. VCF-style: chr14-102018556-CC-AG. GRCh37 (hg19) VCF-style: chr14-102484893-CC-AG.
Other names: short protein forms L2762V.
Identifiers: ClinVar variation 2131306 (VCV002131306.4), dbSNP rs2503777531, ClinGen allele CA2580088397.
Genomic context (GRCh38, chr14:102,018,556, plus strand): 5'-CGCCTCCCTCACACAGATCTACGGCACCTTCAACCGCGCCATGCTGAGGCTCATTCCATC[CC>AG]TGCGGACGTATGCAGAGCCGCTCACTGCTGCCATGGTGGAGTTCTACACCATGTCTCAGG-3'
Protein context (NP_001367.2, residues 2752-2772): NRAMLRLIPS[Leu2762Val]RTYAEPLTAA

ClinVar aggregate classification (germline): Uncertain significance (1 of 4 stars; one submission).

Conditions:
Charcot-Marie-Tooth disease axonal type 2O. Also called: Charcot-Marie-Tooth disease, axonal, type 20; CHARCOT-MARIE-TOOTH NEUROPATHY, AXONAL, TYPE 2O; CHARCOT-MARIE-TOOTH DISEASE, AXONAL, AUTOSOMAL DOMINANT, TYPE 2O; Charcot-Marie-Tooth Neuropathy Type 2O. Identifiers: Orphanet 284232, MedGen C3280220, MONDO:0013644, OMIM 614228.

Submission:

Labcorp Genetics (formerly Invitae), Labcorp
Classification: Uncertain significance for Charcot-Marie-Tooth disease axonal type 2O. Last evaluated: 2022-04-28. Review status: criteria provided, single submitter. Criteria: Invitae Variant Classification Sherloc (09022015). Collection method: clinical testing. Allele origin: germline.
Comment: In summary, the available evidence is currently insufficient to determine the role of this variant in disease. Therefore, it has been classified as a Variant of Uncertain Significance. Experimental studies and prediction algorithms are not available or were not evaluated, and the functional significance of this variant is currently unknown. This variant has not been reported in the literature in individuals affected with DYNC1H1-related conditions. Information on the frequency of this variant in the gnomAD database is not available, as this variant may be reported differently in the database. This sequence change replaces leucine, which is neutral and non-polar, with valine, which is neutral and non-polar, at codon 2762 of the DYNC1H1 protein (p.Leu2762Val).